The following is an entry in ClinVar:

NM_001351132.2(PEX5):c.206A>C (p.Asp69Ala)

Gene: PEX5 (peroxisomal biogenesis factor 5; plus strand). Cytogenetic location: 12p13.31.
Variant type: single nucleotide variant.
Coding change: c.206A>C on transcript NM_001351132.2 (MANE Select); coding-DNA position 206, A replaced by C.
Protein change: p.Asp69Ala; replaces aspartic acid 69 with alanine.
Molecular consequence: missense variant.
Genome position (GRCh38, 1-based): chr12:7,191,248, A>C. VCF-style: chr12-7191248-A-C. GRCh37 (hg19) VCF-style: chr12-7343844-A-C.
Other names: c.206A>C, p.Asp69Ala (NM_000319.5, NM_001131024.2, NM_001131025.2 and 19 more transcripts); c.251A>C, p.Asp84Ala (NM_001131023.2, NM_001351135.3, NM_001351138.2); short protein forms D84A, D69A.
Identifiers: ClinVar variation 1447620 (VCV001447620.6), dbSNP rs2135896856, ClinGen allele CA383710684.

ClinVar aggregate classification (germline): Uncertain significance (1 of 4 stars; one submission).

Conditions:
Peroxisome biogenesis disorder 2B (PBD2B). Identifiers: Orphanet 44, MedGen C3550234, MONDO:0008736, OMIM 202370.

Allele frequency attached by ClinVar (database versions not stated): gnomAD exomes below 0.00001.
gnomAD v4.1: 2 of 1,614,078 alleles (0.00012%); highest among the groups gnomAD compares: Non-Finnish European, 0.00017%; no homozygotes.

Submission:

Labcorp Genetics (formerly Invitae), Labcorp
Classification: Uncertain significance for Peroxisome biogenesis disorder 2B. Last evaluated: 2022-07-11. Review status: criteria provided, single submitter. Criteria: Invitae Variant Classification Sherloc (09022015). Collection method: clinical testing. Allele origin: germline.
Comment: This sequence change replaces aspartic acid, which is acidic and polar, with alanine, which is neutral and non-polar, at codon 69 of the PEX5 protein (p.Asp69Ala). This variant is not present in population databases (gnomAD no frequency). This variant has not been reported in the literature in individuals affected with PEX5-related conditions. ClinVar contains an entry for this variant (Variation ID: 1447620). In summary, the available evidence is currently insufficient to determine the role of this variant in disease. Therefore, it has been classified as a Variant of Uncertain Significance. Algorithms developed to predict the effect of missense changes on protein structure and function (SIFT, PolyPhen-2, Align-GVGD) all suggest that this variant is likely to be tolerated.